The following is an entry in ClinVar:

ClinVar aggregate classification (germline): Benign (1 of 4 stars; one submission).

Allele frequency attached by ClinVar (database versions not stated): 1000 Genomes Project 30x 0.81590; TOPMed 0.81649; 1000 Genomes Project 0.81989; gnomAD 0.82668 and 0.82802.
gnomAD v4.1: 125,953 of 152,218 alleles (83%); highest among the groups gnomAD compares: East Asian, 87%; 52,412 homozygotes.

Submission:

GeneDx
Classification: Benign. Last evaluated: 2018-06-14. Review status: criteria provided, single submitter. Criteria: GeneDx Variant Classification (06012015). Collection method: clinical testing. Allele origin: germline. Affected: yes.
Comment: This variant is considered likely benign or benign based on one or more of the following criteria: it is a conservative change, it occurs at a poorly conserved position in the protein, it is predicted to be benign by multiple in silico algorithms, and/or has population frequency not consistent with disease.

NM_001377.3(DYNC2H1):c.7709-218G>A

Gene: DYNC2H1 (dynein cytoplasmic 2 heavy chain 1; plus strand). Cytogenetic location: 11q22.3.
Variant type: single nucleotide variant.
Coding change: c.7709-218G>A on transcript NM_001377.3 (MANE Select); 218 bases into the intron before coding-DNA position 7709, G replaced by A.
Molecular consequence: intron variant.
Genome position (GRCh38, 1-based): chr11:103,197,715, G>A. VCF-style: chr11-103197715-G-A. GRCh37 (hg19) VCF-style: chr11-103068444-G-A.
Other names: c.7709-218G>A (NM_001080463.2).
Identifiers: ClinVar variation 667720 (VCV000667720.1), dbSNP rs615695, ClinGen allele CA13468989.
Genomic context (GRCh38, chr11:103,197,715, plus strand): 5'-CTAAGCTGGCCTTGACCTCCTGAGCTGAAGTAATCCTCCTGCCTTGGCCTCCAAAAGTGC[G>A]GGTATTATAGGCGTGGGCCACCTTGCCTGGCTCAGTCATTGTATTTCACCTGATTTTATT-3'